The following is an entry in ClinVar:

NM_000466.3(PEX1):c.814G>A (p.Ala272Thr)

Gene: PEX1 (peroxisomal biogenesis factor 1; minus strand). Cytogenetic location: 7q21.2.
Variant type: single nucleotide variant.
Coding change: c.814G>A on transcript NM_000466.3 (MANE Select); coding-DNA position 814, G replaced by A.
Protein change: p.Ala272Thr; replaces alanine 272 with threonine.
Molecular consequence: missense variant.
Genome position (GRCh38, 1-based): chr7:92,517,701, C>T on the plus strand (G>A on the coding strand, the complement: PEX1 is on the minus strand). VCF-style: chr7-92517701-C-T. GRCh37 (hg19) VCF-style: chr7-92147015-C-T.
Other names: c.814G>A, p.Ala272Thr (NM_001282677.2); c.190G>A, p.Ala64Thr (NM_001282678.2); c.814G>A (NM_000466.2); short protein forms A64T, A272T.
Identifiers: ClinVar variation 1415648 (VCV001415648.8), dbSNP rs528610267, ClinGen allele CA4341533.

ClinVar aggregate classification (germline): Uncertain significance. Review status: criteria provided, multiple submitters, no conflicts (2 of 4 stars). 2 submissions from 2 submitters: Uncertain significance (2). Last evaluated 2025-01-23.

Conditions:
Inborn genetic diseases. Identifiers: MedGen C0950123, MeSH D030342.
Zellweger spectrum disorders (ZS). Also called: Zellweger Spectrum Disorder; Zellweger Spectrum; Zellweger Spectrum Disorder (ZSD); Zellweger syndrome. Identifiers: Orphanet 912, MedGen C0043459, MONDO:0019609.

Allele frequency attached by ClinVar (database versions not stated): gnomAD exomes below 0.00001 and 0.00001; ExAC 0.00001; TOPMed 0.00001.
gnomAD v4.1: 4 of 1,613,358 alleles (0.00025%); highest among the groups gnomAD compares: East Asian, 0.0067%; no homozygotes.

Submissions (2):

Labcorp Genetics (formerly Invitae), Labcorp
Classification: Uncertain significance for Zellweger spectrum disorders. Last evaluated: 2025-01-23. Review status: criteria provided, single submitter. Criteria: Invitae Variant Classification Sherloc (09022015). Collection method: clinical testing. Allele origin: germline.
Comment: This sequence change replaces alanine, which is neutral and non-polar, with threonine, which is neutral and polar, at codon 272 of the PEX1 protein (p.Ala272Thr). This variant is present in population databases (rs528610267, gnomAD 0.02%). This variant has not been reported in the literature in individuals affected with PEX1-related conditions. ClinVar contains an entry for this variant (Variation ID: 1415648). Invitae Evidence Modeling of protein sequence and biophysical properties (such as structural, functional, and spatial information, amino acid conservation, physicochemical variation, residue mobility, and thermodynamic stability) indicates that this missense variant is not expected to disrupt PEX1 protein function with a negative predictive value of 95%. In summary, the available evidence is currently insufficient to determine the role of this variant in disease. Therefore, it has been classified as a Variant of Uncertain Significance.

Ambry Genetics
Classification: Uncertain significance for Inborn genetic diseases. Last evaluated: 2024-04-24. Review status: criteria provided, single submitter. Criteria: Ambry Variant Classification Scheme 2023. Collection method: clinical testing. Allele origin: germline.